The following is an entry in ClinVar:

NM_022437.3(ABCG8):c.1645G>A (p.Ala549Thr)

Gene: ABCG8 (ATP binding cassette subfamily G member 8; plus strand). Cytogenetic location: 2p21.
Variant type: single nucleotide variant.
Coding change: c.1645G>A on transcript NM_022437.3 (MANE Select); coding-DNA position 1645, G replaced by A.
Protein change: p.Ala549Thr; replaces alanine 549 with threonine.
Molecular consequence: missense variant.
Genome position (GRCh38, 1-based): chr2:43,875,302, G>A. VCF-style: chr2-43875302-G-A. GRCh37 (hg19) VCF-style: chr2-44102441-G-A.
Other names: c.1642G>A, p.Ala548Thr (NM_001357321.2); short protein forms A549T, A548T.
Identifiers: ClinVar variation 281519 (VCV000281519.25), dbSNP rs140690030, ClinGen allele CA1637574.

ClinVar aggregate classification (germline): Conflicting classifications of pathogenicity. Review status: criteria provided, conflicting classifications (1 of 4 stars). 8 submissions from 8 submitters: Uncertain significance (3); Benign (1); Likely benign (3). 1 of the submissions does not count toward it. Last evaluated 2026-02-02.

Conditions:
Sitosterolemia 1. Identifiers: MedGen C2749759, MONDO:0020747, OMIM 210250.
ABCG8-related disorder. Also called: ABCG8-related condition.
Cardiovascular phenotype. Identifiers: MedGen CN230736.

Allele frequency attached by ClinVar (database versions not stated): 1000 Genomes Project 30x 0.00078; gnomAD 0.00094 and 0.00103; 1000 Genomes Project 0.00100; TOPMed 0.00107; ESP Exome Variant Server 0.00177.

Submissions (8):

Labcorp Genetics (formerly Invitae), Labcorp
Classification: Likely benign. Last evaluated: 2026-02-02. Review status: criteria provided, single submitter. Criteria: Invitae Variant Classification Sherloc (09022015). Collection method: clinical testing. Allele origin: germline.

Blueprint Genetics
Classification: Likely benign. Last evaluated: 2024-11-04. Review status: criteria provided, single submitter. Criteria: ACMG Guidelines, 2015. Collection method: clinical testing. Allele origin: germline.

Women's Health and Genetics/Laboratory Corporation of America, LabCorp
Classification: Uncertain significance. Last evaluated: 2024-07-27. Review status: criteria provided, single submitter. Criteria: LabCorp Variant Classification Summary - May 2015. Collection method: clinical testing. Allele origin: germline.

Ambry Genetics
Classification: Likely benign for Cardiovascular phenotype. Last evaluated: 2023-06-21. Review status: criteria provided, single submitter. Criteria: Ambry Variant Classification Scheme 2023. Collection method: clinical testing. Allele origin: germline.

New York Genome Center
Classification: Uncertain significance for Sitosterolemia 1. Last evaluated: 2022-09-16. Review status: criteria provided, single submitter. Criteria: NYGC Assertion Criteria 2020. Collection method: clinical testing. Allele origin: germline. Observed: 2 heterozygotes. Clinical features observed: Hyperlipidemia (HP:0003077), Diabetes mellitus (HP:0000819).

Illumina Laboratory Services, Illumina
Classification: Uncertain significance for Sitosterolemia 1. Last evaluated: 2018-01-12. Review status: criteria provided, single submitter. Criteria: ICSL Variant Classification Criteria 13 December 2019. Collection method: clinical testing. Allele origin: germline.

Eurofins Ntd Llc (ga)
Classification: Benign. Last evaluated: 2015-06-18. Review status: criteria provided, single submitter. Criteria: EGL Classification Definitions 2015. Collection method: clinical testing. Allele origin: germline. Observed: 1 variant allele, 1 heterozygote.

PreventionGenetics, part of Exact Sciences
Classification: Likely benign for ABCG8-related condition. Last evaluated: 2023-10-09. Review status: no assertion criteria provided. Collection method: clinical testing. Allele origin: germline. Not counted in ClinVar's aggregate classification.
Comment: This variant is classified as likely benign based on ACMG/AMP sequence variant interpretation guidelines (Richards et al. 2015 PMID: 25741868, with internal and published modifications).